The following is an entry in ClinVar:

ClinVar aggregate classification (germline): Likely benign. Review status: criteria provided, multiple submitters, no conflicts (2 of 4 stars). 2 submissions from 2 submitters: Likely benign (2). Last evaluated 2025-10-27.

Conditions:
Emery-Dreifuss muscular dystrophy 4, autosomal dominant (EDMD4). Also called: EMERY-DREIFUSS MUSCULAR DYSTROPHY 4 WITH VARIABLE FEATURES. Identifiers: Orphanet 261, MedGen C2751807, MONDO:0013071, OMIM 612998.
Autosomal recessive ataxia, Beauce type. Also called: ATAXIA, RECESSIVE, OF BEAUCE; SYNE1-Related Autosomal Recessive Cerebellar Ataxia; Spinocerebellar ataxia, autosomal recessive 8; SYNE1 Deficiency. Identifiers: Orphanet 88644, MedGen C1853116, MONDO:0012549, OMIM 610743.

Allele frequency attached by ClinVar (database versions not stated): TOPMed 0.00005; gnomAD 0.00008 and 0.00009; gnomAD exomes 0.00010; ExAC 0.00014; ESP Exome Variant Server 0.00015.
gnomAD v4.1: 129 of 1,613,958 alleles (0.008%); highest among the groups gnomAD compares: Non-Finnish European, 0.0096%; no homozygotes.

Submissions (2):

Labcorp Genetics (formerly Invitae), Labcorp
Classification: Likely benign for Emery-Dreifuss muscular dystrophy 4, autosomal dominant; Autosomal recessive ataxia, Beauce type. Last evaluated: 2025-10-27. Review status: criteria provided, single submitter. Criteria: Invitae Variant Classification Sherloc (09022015). Collection method: clinical testing. Allele origin: germline.

GeneDx
Classification: Likely benign. Last evaluated: 2016-03-29. Review status: criteria provided, single submitter. Criteria: GeneDx Variant Classification (06012015). Collection method: clinical testing. Allele origin: germline. Affected: yes.
Comment: This variant is considered likely benign or benign based on one or more of the following criteria: it is a conservative change, it occurs at a poorly conserved position in the protein, it is predicted to be benign by multiple in silico algorithms, and/or has population frequency not consistent with disease.

NM_182961.4(SYNE1):c.5101-11G>T

Gene: SYNE1 (spectrin repeat containing nuclear envelope protein 1; minus strand). Cytogenetic location: 6q25.2.
Variant type: single nucleotide variant.
Coding change: c.5101-11G>T on transcript NM_182961.4 (MANE Select); 11 bases into the intron before coding-DNA position 5101, G replaced by T.
Molecular consequence: intron variant.
Genome position (GRCh38, 1-based): chr6:152,425,558, C>A on the plus strand (G>T on the coding strand, the complement: SYNE1 is on the minus strand). VCF-style: chr6-152425558-C-A. GRCh37 (hg19) VCF-style: chr6-152746693-C-A.
Other names: c.5122-11G>T (NM_033071.5).
Identifiers: ClinVar variation 384828 (VCV000384828.4), dbSNP rs375142982, ClinGen allele CA4058355.